The following is an entry in ClinVar:

ClinVar aggregate classification (germline): Uncertain significance. Review status: criteria provided, multiple submitters, no conflicts (2 of 4 stars). 2 submissions from 2 submitters: Uncertain significance (2). Last evaluated 2025-12-15.

Conditions:
Inborn genetic diseases. Identifiers: MedGen C0950123, MeSH D030342.
Methylcobalamin deficiency type cblE (HMAE). Also called: VITAMIN B12-RESPONSIVE HOMOCYSTINURIA, cblE TYPE; HOMOCYSTINURIA-MEGALOBLASTIC ANEMIA, cblE TYPE; HOMOCYSTINURIA-MEGALOBLASTIC ANEMIA, cblE COMPLEMENTATION TYPE. Identifiers: Orphanet 2169, Orphanet 622, MedGen C1856057, MONDO:0009354, OMIM 236270.

Allele frequency attached by ClinVar (database versions not stated): gnomAD 0.00001; gnomAD exomes 0.00001 and 0.00003; ExAC 0.00002; TOPMed 0.00002.
gnomAD v4.1: 8 of 1,613,936 alleles (0.0005%); highest among the groups gnomAD compares: Admixed American, 0.013%; no homozygotes.

Submissions (2):

Ambry Genetics
Classification: Uncertain significance for Inborn genetic diseases. Last evaluated: 2025-12-15. Review status: criteria provided, single submitter. Criteria: Ambry Variant Classification Scheme 2023. Collection method: clinical testing. Allele origin: germline.

Labcorp Genetics (formerly Invitae), Labcorp
Classification: Uncertain significance for Methylcobalamin deficiency type cblE. Last evaluated: 2022-10-23. Review status: criteria provided, single submitter. Criteria: Invitae Variant Classification Sherloc (09022015). Collection method: clinical testing. Allele origin: germline.
Comment: This sequence change replaces proline, which is neutral and non-polar, with serine, which is neutral and polar, at codon 533 of the MTRR protein (p.Pro533Ser). This variant is present in population databases (rs771421325, gnomAD 0.02%). This variant has not been reported in the literature in individuals affected with MTRR-related conditions. ClinVar contains an entry for this variant (Variation ID: 1493851). Advanced modeling of protein sequence and biophysical properties (such as structural, functional, and spatial information, amino acid conservation, physicochemical variation, residue mobility, and thermodynamic stability) performed at Invitae indicates that this missense variant is expected to disrupt MTRR protein function. In summary, the available evidence is currently insufficient to determine the role of this variant in disease. Therefore, it has been classified as a Variant of Uncertain Significance.

NM_002454.3(MTRR):c.1597C>T (p.Pro533Ser)

Gene: MTRR (5-methyltetrahydrofolate-homocysteine methyltransferase reductase; plus strand). Cytogenetic location: 5p15.31.
Variant type: single nucleotide variant.
Coding change: c.1597C>T on transcript NM_002454.3 (MANE Select); coding-DNA position 1597, C replaced by T.
Protein change: p.Pro533Ser; replaces proline 533 with serine.
Molecular consequence: missense variant. On other transcripts: non-coding transcript variant (14).
Genome position (GRCh38, 1-based): chr5:7,895,773, C>T. VCF-style: chr5-7895773-C-T. GRCh37 (hg19) VCF-style: chr5-7895886-C-T.
Other names: c.1597C>T, p.Pro533Ser (NM_001364440.2, NM_001364441.2, NM_001364442.2 and 1 more transcripts); c.1597C>T (NM_002454.2); short protein forms P533S.
Identifiers: ClinVar variation 1493851 (VCV001493851.6), dbSNP rs771421325, ClinGen allele CA3195996.